The following is an entry in ClinVar:

ClinVar aggregate classification (germline): Likely pathogenic (1 of 4 stars; one submission).

Conditions:
Cardiovascular phenotype. Identifiers: MedGen CN230736.

Submission:

Ambry Genetics
Classification: Likely pathogenic for Cardiovascular phenotype. Last evaluated: 2026-07-20. Review status: criteria provided, single submitter. Criteria: Ambry Variant Classification Scheme 2023. Collection method: clinical testing. Allele origin: germline.
Comment: The c.758_760delCCGinsTCT variant, located in coding exon 5 of the KCNQ1 gene, results from an in-frame deletion of CCG and insertion of TCT at nucleotide positions 758 to 760. This results in the substitution of the amino acid residues at codons 253 to 254. This amino acid region is highly conserved in available vertebrate species, and the impacted region is critical for protein function (Ambry internal data). In addition, this variant is predicted to be deleterious by in silico analysis (Choi Y et al. PLoS ONE. 2012; 7(10):e46688). This variant is considered to be rare based on population cohorts in the Genome Aggregation Database (gnomAD). Based on the majority of available evidence to date, this variant is likely to be pathogenic.

NM_000218.3(KCNQ1):c.758_760delinsTCT (p.Ser253_Val254delinsPheLeu)

Gene: KCNQ1 (potassium voltage-gated channel subfamily Q member 1; plus strand). Cytogenetic location: 11p15.5.
Variant type: Indel.
Coding change: c.758_760delinsTCT on transcript NM_000218.3 (MANE Select); coding-DNA positions 758 to 760, CCG replaced by TCT.
Protein change: p.Ser253_Val254delinsPheLeu.
Molecular consequence: missense variant. On other transcripts: intron variant (1).
Genome position (GRCh38, 1-based): chr11:2,572,087-2,572,089, CCG replaced by TCT. VCF-style: chr11-2572087-CCG-TCT. GRCh37 (hg19) VCF-style: chr11-2593317-CCG-TCT.
Other names: c.758_760delinsTCT, p.Ser253_Val254delinsPheLeu (NM_001406836.1); c.488_490delinsTCT, p.Ser163_Val164delinsPheLeu (NM_001406837.1); c.377_379delinsTCT, p.Ser126_Val127delinsPheLeu (NM_181798.2); c.478-11348_478-11346delinsTCT (NM_001406838.1).
Identifiers: ClinVar variation 5023025 (VCV005023025.1).